The following is an entry in ClinVar:

NM_002691.4(POLD1):c.1494+7G>A

Gene: POLD1 (DNA polymerase delta 1, catalytic subunit; plus strand). Cytogenetic location: 19q13.33.
Variant type: single nucleotide variant.
Coding change: c.1494+7G>A on transcript NM_002691.4 (MANE Select); 7 bases into the intron after coding-DNA position 1494, G replaced by A.
Molecular consequence: intron variant.
Genome position (GRCh38, 1-based): chr19:50,406,524, G>A. VCF-style: chr19-50406524-G-A. GRCh37 (hg19) VCF-style: chr19-50909781-G-A.
Other names: c.1494+7G>A (NM_001256849.1, NM_001308632.1).
Identifiers: ClinVar variation 3904288 (VCV003904288.1).

ClinVar aggregate classification (germline): Likely benign (1 of 4 stars; one submission).

Conditions:
POLD1-related polyposis and colorectal cancer syndrome (CRCS10). Also called: Colorectal cancer 10; COLORECTAL CANCER, SUSCEPTIBILITY TO, ON CHROMOSOME 19q; Colorectal cancer, susceptibility to, 10. Identifiers: Orphanet 220460, MedGen C2675481, MONDO:0012953, OMIM 612591.

Submission:

Myriad Genetics, Inc.
Classification: Likely benign for POLD1-related polyposis and colorectal cancer syndrome. Last evaluated: 2025-02-06. Review status: criteria provided, single submitter. Criteria: Myriad Autosomal Dominant, Autosomal Recessive and X-Linked Classification Criteria (2023). Collection method: clinical testing. Allele origin: unknown.
Comment: This variant is considered likely benign. This variant is intronic and is not expected to impact mRNA splicing.